The following is an entry in ClinVar:

ClinVar aggregate classification (germline): Uncertain significance (1 of 4 stars; one submission).

Conditions:
Neurofibromatosis, type 1 (NF1). Also called: VON RECKLINGHAUSEN DISEASE; Neurofibromatosis, type I; Peripheral type neurofibromatosis; NEUROFIBROMATOSIS, TYPE I, SOMATIC. Identifiers: Orphanet 636, MedGen C0027831, MONDO:0018975, OMIM 162200. Disease mechanism: loss of function.

gnomAD v4.1: 1 of 1,613,456 alleles (0.000062%); highest among the groups gnomAD compares: East Asian, 0.0022%; no homozygotes.

Submission:

Labcorp Genetics (formerly Invitae), Labcorp
Classification: Uncertain significance for Neurofibromatosis, type 1. Last evaluated: 2022-06-28. Review status: criteria provided, single submitter. Criteria: Invitae Variant Classification Sherloc (09022015). Collection method: clinical testing. Allele origin: germline.
Comment: This sequence change falls in intron 19 of the NF1 gene. It does not directly change the encoded amino acid sequence of the NF1 protein. It affects a nucleotide within the consensus splice site. This variant is not present in population databases (gnomAD no frequency). This variant has not been reported in the literature in individuals affected with NF1-related conditions. Variants that disrupt the consensus splice site are a relatively common cause of aberrant splicing (PMID: 17576681, 9536098). Algorithms developed to predict the effect of sequence changes on RNA splicing suggest that this variant is not likely to affect RNA splicing. In summary, the available evidence is currently insufficient to determine the role of this variant in disease. Therefore, it has been classified as a Variant of Uncertain Significance.

Literature cited by the submitters: PubMed 17576681; PubMed 9536098.

NM_001042492.3(NF1):c.2325+6C>A

Gene: NF1 (neurofibromin 1; plus strand). Cytogenetic location: 17q11.2.
Variant type: single nucleotide variant.
Coding change: c.2325+6C>A on transcript NM_001042492.3 (MANE Select); 6 bases into the intron after coding-DNA position 2325, C replaced by A.
Molecular consequence: intron variant.
Genome position (GRCh38, 1-based): chr17:31,227,297, C>A. VCF-style: chr17-31227297-C-A. GRCh37 (hg19) VCF-style: chr17-29554315-C-A.
Other names: c.2325+6C>A (NM_000267.4).
Identifiers: ClinVar variation 1521187 (VCV001521187.6), dbSNP rs1567847979, ClinGen allele CA2573153276.